The following is an entry in ClinVar:

ClinVar aggregate classification (germline): Pathogenic (1 of 4 stars; one submission).

Submission:

Labcorp Genetics (formerly Invitae), Labcorp
Classification: Pathogenic. Last evaluated: 2025-07-27. Review status: criteria provided, single submitter. Criteria: Invitae Variant Classification Sherloc (09022015). Collection method: clinical testing. Allele origin: germline.
Comment: This sequence change creates a premature translational stop signal (p.Ile83Metfs*19) in the MSH3 gene. It is expected to result in an absent or disrupted protein product. Loss-of-function variants in MSH3 are known to be pathogenic (PMID: 27476653, 37402566). This variant is not present in population databases (gnomAD no frequency). This variant has not been reported in the literature in individuals affected with MSH3-related conditions. For these reasons, this variant has been classified as Pathogenic.

Literature cited by the submitters: PubMed 27476653; PubMed 37402566.

NM_002439.5(MSH3):c.249del (p.Ile83fs)

Gene: MSH3 (mutS homolog 3; plus strand). Cytogenetic location: 5q14.1.
Variant type: Deletion.
Coding change: c.249del on transcript NM_002439.5 (MANE Select); coding-DNA position 249, one base deleted (T; older notation c.249delT).
Protein change: p.Ile83fs; shifts the reading frame from isoleucine 83.
Molecular consequence: frameshift variant.
Genome position (GRCh38, 1-based): chr5:80,656,422, T deleted; the last of 2 consecutive T bases (chr5:80,656,421-80,656,422); deleting either gives the same sequence. VCF-style (leftmost placement, unchanged base first): chr5-80656420-AT-A. GRCh37 (hg19) VCF-style: chr5-79952239-AT-A.
Other names: short protein forms I83fs.
Identifiers: ClinVar variation 4724023 (VCV004724023.1).
Genomic context (GRCh38, chr5:80,656,420, plus strand): 5'-GGCCTTCTCAGAGTAGAGATAACACATCATTTTCTAACCTTCCCGATATAGGCTACAGAA[AT>A]TGACAGAAGAAAGAAGAGACCATTGGAAAATGATGGGCCTGTTAAAAAGAAAGTAAAGAA-3'